The following is an entry in ClinVar:

NM_001025616.3(ARHGAP24):c.1108C>T (p.Pro370Ser)

Gene: ARHGAP24 (Rho GTPase activating protein 24; plus strand). Cytogenetic location: 4q21.23.
Variant type: single nucleotide variant.
Coding change: c.1108C>T on transcript NM_001025616.3 (MANE Select); coding-DNA position 1108, C replaced by T.
Protein change: p.Pro370Ser; replaces proline 370 with serine.
Molecular consequence: missense variant.
Genome position (GRCh38, 1-based): chr4:85,994,762, C>T. VCF-style: chr4-85994762-C-T. GRCh37 (hg19) VCF-style: chr4-86915915-C-T.
Other names: p.Pro370Ser; c.823C>T, p.Pro275Ser (NM_001042669.2); c.853C>T, p.Pro285Ser (NM_001287805.2); c.529C>T, p.Pro177Ser (NM_001346093.2); c.829C>T, p.Pro277Ser (NM_031305.3); short protein forms P177S, P275S, P277S, P285S, P370S.
Identifiers: ClinVar variation 3379544 (VCV003379544.1).

ClinVar aggregate classification (germline): Uncertain significance (1 of 4 stars; one submission).

gnomAD v4.1: 10 of 1,613,920 alleles (0.00062%); highest among the groups gnomAD compares: African/African-American, 0.011%; no homozygotes.

Submission:

Mayo Clinic Laboratories, Mayo Clinic
Classification: Uncertain significance. Last evaluated: 2023-12-20. Review status: criteria provided, single submitter. Criteria: ACMG Guidelines, 2015. Collection method: clinical testing. Allele origin: germline. Observed: 1 variant allele.
Comment: BP4

Literature cited by the submitters: PubMed 31308072.